The following is an entry in ClinVar:

ClinVar aggregate classification (germline): Uncertain significance (1 of 4 stars; one submission).

Conditions:
Paroxysmal nonkinesigenic dyskinesia. Also called: Paroxysmal non-kinesigenic dyskinesia. Identifiers: Orphanet 98810, MedGen C1869117, MONDO:0700088.

Submission:

Labcorp Genetics (formerly Invitae), Labcorp
Classification: Uncertain significance for Paroxysmal nonkinesigenic dyskinesia. Last evaluated: 2023-11-13. Review status: criteria provided, single submitter. Criteria: Invitae Variant Classification Sherloc (09022015). Collection method: clinical testing. Allele origin: germline.
Comment: This sequence change replaces aspartic acid, which is acidic and polar, with valine, which is neutral and non-polar, at codon 253 of the PNKD protein (p.Asp253Val). This variant is not present in population databases (gnomAD no frequency). This variant has not been reported in the literature in individuals affected with PNKD-related conditions. ClinVar contains an entry for this variant (Variation ID: 2093458). Advanced modeling of protein sequence and biophysical properties (such as structural, functional, and spatial information, amino acid conservation, physicochemical variation, residue mobility, and thermodynamic stability) performed at Invitae indicates that this missense variant is expected to disrupt PNKD protein function with a positive predictive value of 80%. In summary, the available evidence is currently insufficient to determine the role of this variant in disease. Therefore, it has been classified as a Variant of Uncertain Significance.

NM_015488.5(PNKD):c.758A>T (p.Asp253Val)

Genes: CATIP-AS2 (CATIP antisense RNA 2; minus strand), PNKD (PNKD metallo-beta-lactamase domain containing; plus strand). Cytogenetic location: 2q35.
Variant type: single nucleotide variant.
Coding change: c.758A>T on transcript NM_015488.5 (MANE Select); coding-DNA position 758, A replaced by T.
Protein change: p.Asp253Val; replaces aspartic acid 253 with valine.
Molecular consequence: missense variant.
Genome position (GRCh38, 1-based): chr2:218,342,121, A>T. VCF-style: chr2-218342121-A-T. GRCh37 (hg19) VCF-style: chr2-219206844-A-T.
Other names: c.686A>T, p.Asp229Val (NM_022572.5); short protein forms D229V, D253V.
Identifiers: ClinVar variation 2093458 (VCV002093458.4), dbSNP rs2469468108, ClinGen allele CA350541427.